The following is an entry in ClinVar:

NM_003079.5(SMARCE1):c.1222G>A (p.Glu408Lys)

Gene: SMARCE1 (SWI/SNF related BAF chromatin remodeling complex subunit E1; minus strand). Cytogenetic location: 17q21.2.
Variant type: single nucleotide variant.
Coding change: c.1222G>A on transcript NM_003079.5 (MANE Select); coding-DNA position 1222, G replaced by A.
Protein change: p.Glu408Lys; replaces glutamic acid 408 with lysine.
Molecular consequence: missense variant.
Genome position (GRCh38, 1-based): chr17:40,628,799, C>T on the plus strand (G>A on the coding strand, the complement: SMARCE1 is on the minus strand). VCF-style: chr17-40628799-C-T. GRCh37 (hg19) VCF-style: chr17-38785051-C-T.
Other names: short protein forms E408K.
Identifiers: ClinVar variation 573127 (VCV000573127.11), dbSNP rs1487515718, ClinGen allele CA399360740.
Genomic context (GRCh38, chr17:40,628,799, plus strand): 5'-TTTTTCATTAAAAAAAGTATTTAGAACACACAAAACAAGGCAACACTTATTCTTTTTTCT[C>T]ATCTTCTGGTATGGGATCTGTTGGTGGCTCCTCCACTGTTGCACTGTTGCTCTCCGAGCC-3'
Protein context (NP_003070.3, residues 398-411): EPPTDPIPED[Glu408Lys]KKE

ClinVar aggregate classification (germline): Uncertain significance. Review status: criteria provided, multiple submitters, no conflicts (2 of 4 stars). 2 submissions from 2 submitters: Uncertain significance (2). Last evaluated 2025-11-03.

Conditions:
Familial meningioma. Also called: Meningioma, familial, susceptibility to. Identifiers: Orphanet 263662, MedGen C3551915, MONDO:0011789, OMIM 607174.
Hereditary cancer-predisposing syndrome. Also called: Neoplastic Syndromes, Hereditary; Hereditary Cancer Syndrome; Tumor predisposition; Hereditary neoplastic syndrome. Identifiers: Orphanet 140162, MedGen C0027672, MeSH D009386, MONDO:0015356.

Submissions (2):

Labcorp Genetics (formerly Invitae), Labcorp
Classification: Uncertain significance for Familial meningioma. Last evaluated: 2025-11-03. Review status: criteria provided, single submitter. Criteria: Invitae Variant Classification Sherloc (09022015). Collection method: clinical testing. Allele origin: germline.
Comment: This sequence change replaces glutamic acid, which is acidic and polar, with lysine, which is basic and polar, at codon 408 of the SMARCE1 protein (p.Glu408Lys). The frequency data for this variant in the population databases is considered unreliable, as metrics indicate poor data quality at this position in the gnomAD database. This variant has not been reported in the literature in individuals affected with SMARCE1-related conditions. ClinVar contains an entry for this variant (Variation ID: 573127). Experimental studies and prediction algorithms are not available or were not evaluated, and the functional significance of this variant is currently unknown. In summary, the available evidence is currently insufficient to determine the role of this variant in disease. Therefore, it has been classified as a Variant of Uncertain Significance.

Ambry Genetics
Classification: Uncertain significance for Hereditary cancer-predisposing syndrome. Last evaluated: 2017-11-07. Review status: criteria provided, single submitter. Criteria: Ambry Variant Classification Scheme 2023. Collection method: clinical testing. Allele origin: germline.
Comment: The p.E408K variant (also known as c.1222G>A), located in coding exon 10 of the SMARCE1 gene, results from a G to A substitution at nucleotide position 1222. The glutamic acid at codon 408 is replaced by lysine, an amino acid with similar properties. This amino acid position is well conserved in available vertebrate species. In addition, this alteration is predicted to be tolerated by in silico analysis. Since supporting evidence is limited at this time, the clinical significance of this alteration remains unclear.